The following is an entry in ClinVar:

ClinVar aggregate classification (germline): Uncertain significance (1 of 4 stars; one submission).

Allele frequency attached by ClinVar (database versions not stated): gnomAD exomes below 0.00001.
gnomAD v4.1: 1 of 1,614,050 alleles (0.000062%); highest among the groups gnomAD compares: East Asian, 0.0022%; no homozygotes.

Submission:

Labcorp Genetics (formerly Invitae), Labcorp
Classification: Uncertain significance. Last evaluated: 2022-07-12. Review status: criteria provided, single submitter. Criteria: Invitae Variant Classification Sherloc (09022015). Collection method: clinical testing. Allele origin: germline.
Comment: This sequence change replaces arginine, which is basic and polar, with threonine, which is neutral and polar, at codon 750 of the IFT88 protein (p.Arg750Thr). In summary, the available evidence is currently insufficient to determine the role of this variant in disease. Therefore, it has been classified as a Variant of Uncertain Significance. Algorithms developed to predict the effect of missense changes on protein structure and function are either unavailable or do not agree on the potential impact of this missense change (SIFT: "Not Available"; PolyPhen-2: "Possibly Damaging"; Align-GVGD: "Not Available"). This variant has not been reported in the literature in individuals affected with IFT88-related conditions. This variant is not present in population databases (gnomAD no frequency).

NM_006531.5(IFT88):c.2222G>C (p.Arg741Thr)

Gene: IFT88 (intraflagellar transport 88; plus strand). Cytogenetic location: 13q12.11.
Variant type: single nucleotide variant.
Coding change: c.2222G>C on transcript NM_006531.5 (MANE Select); coding-DNA position 2222, G replaced by C.
Protein change: p.Arg741Thr; replaces arginine 741 with threonine.
Molecular consequence: missense variant. On other transcripts: non-coding transcript variant (5).
Genome position (GRCh38, 1-based): chr13:20,671,019, G>C. VCF-style: chr13-20671019-G-C. GRCh37 (hg19) VCF-style: chr13-21245158-G-C.
Other names: c.2165G>C, p.Arg722Thr (NM_001318491.2); c.2249G>C, p.Arg750Thr (NM_001318493.2, NM_001353565.2, NM_001353566.2 and 2 more transcripts); c.2222G>C, p.Arg741Thr (NM_001353568.2, NM_001353572.2); c.2147G>C, p.Arg716Thr (NM_001353569.2, NM_001353570.2, NM_001353576.2 and 1 more transcripts); c.2120G>C, p.Arg707Thr (NM_001353571.2, NM_001353578.2); c.2078G>C, p.Arg693Thr (NM_001353573.2); c.2063G>C, p.Arg688Thr (NM_001353574.2); c.2289G>C, p.Lys763Asn (NM_001353575.2); and 1 more; short protein forms K763N, R530T, R693T, R716T, R688T, R707T, R722T, R741T.
Identifiers: ClinVar variation 2096709 (VCV002096709.4), dbSNP rs2548840704, ClinGen allele CA387477151.